The following is an entry in ClinVar:

ClinVar aggregate classification (germline): Likely pathogenic (1 of 4 stars; one submission).

Submission:

Genetic Services Laboratory, University of Chicago
Classification: Likely pathogenic. Last evaluated: 2021-11-18. Review status: criteria provided, single submitter. Criteria: ACMG Guidelines, 2015. Collection method: clinical testing. Allele origin: germline. Affected: yes.
Comment: DNA sequence analysis of the KMT2D gene demonstrated a sequence change, c.709G>T, which results in the creation of a premature stop codon at amino acid position 237, p.Glu237*. This likely pathogenic sequence change is predicted to result in an abnormal transcript, which may be degraded, or may lead to the production of a truncated KMT2D protein with potentially abnormal function. This sequence change has not been described in population databases such as ExAC and gnomAD. This sequence change has not previously been described in the literature, however, other downstream nonsense variants in the KMT2D gene have been described in several individuals with KMT2D-related disorders. This likely pathogenic sequence change is the most likely cause of this individual's phenotype, however functional studies have not been performed to prove this conclusively.

NM_003482.4(KMT2D):c.709G>T (p.Glu237Ter)

Gene: KMT2D (lysine methyltransferase 2D; minus strand). Cytogenetic location: 12q13.12.
Variant type: single nucleotide variant.
Coding change: c.709G>T on transcript NM_003482.4 (MANE Select); coding-DNA position 709, G replaced by T.
Protein change: p.Glu237Ter; replaces glutamic acid 237 with a stop codon.
Molecular consequence: nonsense.
Genome position (GRCh38, 1-based): chr12:49,053,606, C>A on the plus strand (G>T on the coding strand, the complement: KMT2D is on the minus strand). VCF-style: chr12-49053606-C-A. GRCh37 (hg19) VCF-style: chr12-49447389-C-A.
Other names: short protein forms E237*.
Identifiers: ClinVar variation 1338675 (VCV001338675.4), dbSNP rs1159611979, ClinGen allele CA384681806.
Genomic context (GRCh38, chr12:49,053,606, plus strand): 5'-CCAGGCAGGCCCCGTGATAGTGATGCCCACAGCTGGTACAGAAGAACAGGTCACACAACT[C>A]CCCTGGCCCCTCACACACTGCACAGCGAGCCTCCTCTGCAGGGGGTAGAGACACCACAGG-3'